The following is an entry in ClinVar:

ClinVar aggregate classification (germline): Uncertain significance (1 of 4 stars; one submission).

Conditions:
Emery-Dreifuss muscular dystrophy 5, autosomal dominant (EDMD5). Also called: EMERY-DREIFUSS MUSCULAR DYSTROPHY 5. Identifiers: Orphanet 261, MedGen C2751805, MONDO:0013072, OMIM 612999.

Allele frequency attached by ClinVar (database versions not stated): ExAC 0.00001; gnomAD 0.00001; gnomAD exomes 0.00001; TOPMed 0.00001.
gnomAD v4.1: 21 of 1,613,628 alleles (0.0013%); highest among the groups gnomAD compares: Admixed American, 0.0017%; no homozygotes.

Submission:

Labcorp Genetics (formerly Invitae), Labcorp
Classification: Uncertain significance for Emery-Dreifuss muscular dystrophy 5, autosomal dominant. Last evaluated: 2022-05-04. Review status: criteria provided, single submitter. Criteria: Invitae Variant Classification Sherloc (09022015). Collection method: clinical testing. Allele origin: germline.
Comment: In summary, the available evidence is currently insufficient to determine the role of this variant in disease. Therefore, it has been classified as a Variant of Uncertain Significance. This variant is present in population databases (rs761093953, gnomAD 0.007%). This variant has not been reported in the literature in individuals affected with SYNE2-related conditions. Algorithms developed to predict the effect of missense changes on protein structure and function output the following: SIFT: "Tolerated"; PolyPhen-2: "Benign"; Align-GVGD: "Class C0". The isoleucine amino acid residue is found in multiple mammalian species, which suggests that this missense change does not adversely affect protein function. Algorithms developed to predict the effect of sequence changes on RNA splicing suggest that this variant may disrupt the consensus splice site. This sequence change replaces valine, which is neutral and non-polar, with isoleucine, which is neutral and non-polar, at codon 613 of the SYNE2 protein (p.Val613Ile).

NM_182914.3(SYNE2):c.1837G>A (p.Val613Ile)

Gene: SYNE2 (spectrin repeat containing nuclear envelope protein 2; plus strand). Cytogenetic location: 14q23.2.
Variant type: single nucleotide variant.
Coding change: c.1837G>A on transcript NM_182914.3 (MANE Select); coding-DNA position 1837, G replaced by A.
Protein change: p.Val613Ile; replaces valine 613 with isoleucine.
Molecular consequence: missense variant.
Genome position (GRCh38, 1-based): chr14:63,982,630, G>A. VCF-style: chr14-63982630-G-A. GRCh37 (hg19) VCF-style: chr14-64449348-G-A.
Other names: c.1837G>A, p.Val613Ile (NM_015180.6); short protein forms V613I.
Identifiers: ClinVar variation 1415100 (VCV001415100.6), dbSNP rs761093953, ClinGen allele CA7219536.